The following is an entry in ClinVar:

NM_001267550.2(TTN):c.31422G>A (p.Val10474=)

Gene: TTN (titin; minus strand). Cytogenetic location: 2q31.2.
Variant type: single nucleotide variant.
Coding change: c.31422G>A on transcript NM_001267550.2 (MANE Select); coding-DNA position 31422, G replaced by A.
Protein change: p.Val10474=; no amino-acid change (valine 10474 retained).
Molecular consequence: synonymous variant. On other transcripts: intron variant (3).
Genome position (GRCh38, 1-based): chr2:178,694,603, C>T on the plus strand (G>A on the coding strand, the complement: TTN is on the minus strand). VCF-style: chr2-178694603-C-T. GRCh37 (hg19) VCF-style: chr2-179559330-C-T.
Other names: c.30471G>A, p.Val10157= (NM_001256850.1); c.27690G>A, p.Val9230= (NM_133378.4); c.13282+43479G>A (NM_003319.4); c.13858+43479G>A (NM_133437.4); c.13657+43479G>A (NM_133432.3).
Identifiers: ClinVar variation 467001 (VCV000467001.18), dbSNP rs72650020, ClinGen allele CA1998968.

ClinVar aggregate classification (germline): Conflicting classifications of pathogenicity. Review status: criteria provided, conflicting classifications (1 of 4 stars). 10 submissions from 6 submitters: Uncertain significance (3); Benign (1); Likely benign (6). Last evaluated 2026-02-04.

Conditions:
Autosomal recessive limb-girdle muscular dystrophy type 2J (LGMDR10). Also called: Limb-girdle muscular dystrophy, type 2J; MUSCULAR DYSTROPHY, LIMB-GIRDLE, AUTOSOMAL RECESSIVE 10. Identifiers: Orphanet 140922, MedGen C1837342, MONDO:0012127, OMIM 608807.
Dilated cardiomyopathy 1G (CMD1G). Identifiers: Orphanet 154, MedGen C1858763, MONDO:0011400, OMIM 604145.
TTN-related disorder. Also called: TTN-related condition; TTN-related disease; TTN-related disorders.
Tibial muscular dystrophy (TMD). Also called: Udd Distal Myopathy – Tibial Muscular Dystrophy; UDD MYOPATHY; Tibial muscular dystrophy, tardive. Identifiers: Orphanet 609, MedGen C1838244, MONDO:0010870, OMIM 600334.
Early-onset myopathy with fatal cardiomyopathy (CMYO5). Also called: Salih Myopathy; CONGENITAL MYOPATHY 5 WITH CARDIOMYOPATHY. Identifiers: Orphanet 289377, MedGen C2673677, MONDO:0012714, OMIM 611705. Disease mechanism: loss of function.
Myopathy, myofibrillar, 9, with early respiratory failure (MFM9). Also called: Hereditary myopathy with early respiratory failure; MYOPATHY, PROXIMAL, WITH EARLY RESPIRATORY MUSCLE INVOLVEMENT; EDSTROM MYOPATHY; Myopathy, distal, with early respiratory failure, autosomal dominant. Identifiers: Orphanet 178464, Orphanet 34521, MedGen C1863599, MONDO:0011362, OMIM 603689.

Allele frequency attached by ClinVar (database versions not stated): gnomAD exomes 0.00001 and 0.00002; ESP Exome Variant Server 0.00009; ExAC 0.00017; gnomAD 0.00017 and 0.00018; TOPMed 0.00022; 1000 Genomes Project 0.00040; 1000 Genomes Project 30x 0.00047.
gnomAD v4.1: 43 of 1,554,504 alleles (0.0028%); highest among the groups gnomAD compares: African/African-American, 0.052%; no homozygotes.

Submissions (10):

Labcorp Genetics (formerly Invitae), Labcorp
Classification: Likely benign for Dilated cardiomyopathy 1G; Autosomal recessive limb-girdle muscular dystrophy type 2J. Last evaluated: 2026-02-04. Review status: criteria provided, single submitter. Criteria: Invitae Variant Classification Sherloc (09022015). Collection method: clinical testing. Allele origin: germline.

PreventionGenetics, part of Exact Sciences
Classification: Likely benign for TTN-related condition. Last evaluated: 2025-10-13. Review status: criteria provided, single submitter. Criteria: ACMG Guidelines, 2015. Collection method: clinical testing. Allele origin: germline.
Comment: This variant is classified as likely benign based on ACMG/AMP sequence variant interpretation guidelines (Richards et al. 2015 PMID: 25741868, with internal and published modifications).

Blueprint Genetics
Classification: Likely benign. Last evaluated: 2023-09-13. Review status: criteria provided, single submitter. Criteria: ACMG Guidelines, 2015. Collection method: clinical testing. Allele origin: germline.

Women's Health and Genetics/Laboratory Corporation of America, LabCorp
Classification: Likely benign. Last evaluated: 2023-08-19. Review status: criteria provided, single submitter. Criteria: LabCorp Variant Classification Summary - May 2015. Collection method: clinical testing. Allele origin: germline.

Illumina Laboratory Services, Illumina
Classification: Uncertain significance for Autosomal recessive limb-girdle muscular dystrophy type 2J. Last evaluated: 2018-01-13. Review status: criteria provided, single submitter. Criteria: ICSL Variant Classification Criteria 13 December 2019. Collection method: clinical testing. Allele origin: germline.

Illumina Laboratory Services, Illumina
Classification: Uncertain significance for Dilated cardiomyopathy 1G. Last evaluated: 2018-01-13. Review status: criteria provided, single submitter. Criteria: ICSL Variant Classification Criteria 13 December 2019. Collection method: clinical testing. Allele origin: germline.

Illumina Laboratory Services, Illumina
Classification: Benign for Tibial muscular dystrophy. Last evaluated: 2018-01-13. Review status: criteria provided, single submitter. Criteria: ICSL Variant Classification Criteria 13 December 2019. Collection method: clinical testing. Allele origin: germline.
Comment: This variant was observed in the ICSL laboratory as part of a predisposition screen in an ostensibly healthy population. It had not been previously curated by ICSL or reported in the Human Gene Mutation Database (HGMD: prior to June 1st, 2018), and was therefore a candidate for classification through an automated scoring system. Utilizing variant allele frequency, disease prevalence and penetrance estimates, and inheritance mode, an automated score was calculated to assess if this variant is too frequent to cause the disease. Based on the score and internal cut-off values, a variant classified as benign is not then subjected to further curation. The score for this variant resulted in a classification of benign for this disease.

Illumina Laboratory Services, Illumina
Classification: Uncertain significance for Early-onset myopathy with fatal cardiomyopathy. Last evaluated: 2018-01-13. Review status: criteria provided, single submitter. Criteria: ICSL Variant Classification Criteria 13 December 2019. Collection method: clinical testing. Allele origin: germline.

Illumina Laboratory Services, Illumina
Classification: Likely benign for Myopathy, myofibrillar, 9, with early respiratory failure. Last evaluated: 2018-01-13. Review status: criteria provided, single submitter. Criteria: ICSL Variant Classification Criteria 13 December 2019. Collection method: clinical testing. Allele origin: germline.
Comment: This variant was observed in the ICSL laboratory as part of a predisposition screen in an ostensibly healthy population. It had not been previously curated by ICSL or reported in the Human Gene Mutation Database (HGMD: prior to June 1st, 2018), and was therefore a candidate for classification through an automated scoring system. Utilizing variant allele frequency, disease prevalence and penetrance estimates, and inheritance mode, an automated score was calculated to assess if this variant is too frequent to cause the disease. Based on the score and internal cut-off values, a variant classified as likely benign is not then subjected to further curation. The score for this variant resulted in a classification of likely benign for this disease.

GeneDx
Classification: Likely benign. Last evaluated: 2017-09-06. Review status: criteria provided, single submitter. Criteria: GeneDx Variant Classification (06012015). Collection method: clinical testing. Allele origin: germline. Affected: yes.
Comment: This variant is considered likely benign or benign based on one or more of the following criteria: it is a conservative change, it occurs at a poorly conserved position in the protein, it is predicted to be benign by multiple in silico algorithms, and/or has population frequency not consistent with disease.